The following is an entry in ClinVar:

NM_024928.5(STN1):c.979A>C (p.Ile327Leu)

Gene: STN1 (STN1 subunit of CST complex; minus strand). Cytogenetic location: 10q24.33.
Variant type: single nucleotide variant.
Coding change: c.979A>C on transcript NM_024928.5 (MANE Select); coding-DNA position 979, A replaced by C.
Protein change: p.Ile327Leu; replaces isoleucine 327 with leucine.
Molecular consequence: missense variant.
Genome position (GRCh38, 1-based): chr10:103,882,812, T>G on the plus strand (A>C on the coding strand, the complement: STN1 is on the minus strand). VCF-style: chr10-103882812-T-G. GRCh37 (hg19) VCF-style: chr10-105642570-T-G.
Other names: c.979A>C (NM_024928.4); short protein forms I327L.
Identifiers: ClinVar variation 3611875 (VCV003611875.3).
Genomic context (GRCh38, chr10:103,882,812, plus strand): 5'-CTTGCTGCAGCACAGCCTCGCTCAGGCCCGGGCGGATGCTCAGGCGAGCACAGGCCAAGA[T>G]GTGCAGGAAGTGACAGCCCTTCTCCATGTCTGCAGGAAAAAGGTAGGTGGCTGAGTGTGG-3'
Protein context (NP_079204.2, residues 317-337): HMEKGCHFLH[Ile327Leu]LACARLSIRP

ClinVar aggregate classification (germline): Uncertain significance. Review status: criteria provided, multiple submitters, no conflicts (2 of 4 stars). 2 submissions from 2 submitters: Uncertain significance (2). Last evaluated 2025-02-23.

Conditions:
Inborn genetic diseases. Identifiers: MedGen C0950123, MeSH D030342.

gnomAD v4.1: 25 of 1,613,764 alleles (0.0015%); highest among the groups gnomAD compares: East Asian, 0.053%; no homozygotes.

Submissions (2):

Ambry Genetics
Classification: Uncertain significance for Inborn genetic diseases. Last evaluated: 2025-02-23. Review status: criteria provided, single submitter. Criteria: Ambry Variant Classification Scheme 2023. Collection method: clinical testing. Allele origin: germline.

Labcorp Genetics (formerly Invitae), Labcorp
Classification: Uncertain significance. Last evaluated: 2024-09-03. Review status: criteria provided, single submitter. Criteria: Invitae Variant Classification Sherloc (09022015). Collection method: clinical testing. Allele origin: germline.
Comment: This sequence change replaces isoleucine, which is neutral and non-polar, with leucine, which is neutral and non-polar, at codon 327 of the STN1 protein (p.Ile327Leu). This variant is present in population databases (rs763936289, gnomAD 0.03%). This variant has not been reported in the literature in individuals affected with STN1-related conditions. Invitae Evidence Modeling of protein sequence and biophysical properties (such as structural, functional, and spatial information, amino acid conservation, physicochemical variation, residue mobility, and thermodynamic stability) indicates that this missense variant is not expected to disrupt STN1 protein function with a negative predictive value of 80%. In summary, the available evidence is currently insufficient to determine the role of this variant in disease. Therefore, it has been classified as a Variant of Uncertain Significance.